The following is an entry in ClinVar:

NM_058179.4(PSAT1):c.870-1G>T

Gene: PSAT1 (phosphoserine aminotransferase 1; plus strand). Cytogenetic location: 9q21.2.
Variant type: single nucleotide variant.
Coding change: c.870-1G>T on transcript NM_058179.4 (MANE Select); the canonical splice acceptor site of the intron before coding-DNA position 870, G replaced by T.
Molecular consequence: splice acceptor variant. On other transcripts: intron variant (1).
Genome position (GRCh38, 1-based): chr9:78,328,050, G>T. VCF-style: chr9-78328050-G-T. GRCh37 (hg19) VCF-style: chr9-80942966-G-T.
Other names: c.870-931G>T (NM_021154.5).
Identifiers: ClinVar variation 1306418 (VCV001306418.13), dbSNP rs376824714, ClinGen allele CA5095761.

ClinVar aggregate classification (germline): Pathogenic/Likely pathogenic. Review status: criteria provided, multiple submitters, no conflicts (2 of 4 stars). 4 submissions from 4 submitters: Pathogenic (2); Likely pathogenic (2). Last evaluated 2026-08-13.

Conditions:
PSAT1-related disorder. Also called: PSAT1-related disorders; PSAT1-related condition.
Neu-Laxova syndrome 2. Identifiers: Orphanet 2671, Orphanet 583602, MedGen C4015019, MONDO:0014466, OMIM 616038.
Neurometabolic disorder due to serine deficiency. Identifiers: Orphanet 35705, MedGen C5680148, MONDO:0018162.

Allele frequency attached by ClinVar (database versions not stated): ExAC 0.00001; gnomAD 0.00002 and 0.00003; gnomAD exomes 0.00002 and 0.00004; ESP Exome Variant Server 0.00008.
gnomAD v4.1: 57 of 1,610,138 alleles (0.0035%); highest among the groups gnomAD compares: Non-Finnish European, 0.0042%; no homozygotes.

Submissions (4):

GeneDx
Classification: Likely pathogenic. Last evaluated: 2026-08-13. Review status: criteria provided, single submitter. Criteria: GeneDx Variant Classification Process June 2021. Collection method: clinical testing. Allele origin: germline.
Comment: Canonical splice site variant predicted to result in an in-frame loss of the adjacent exon in a gene for which loss of function is a known mechanism of disease; This variant is associated with the following publications: (PMID: 36599231, 32579715)

Labcorp Genetics (formerly Invitae), Labcorp
Classification: Pathogenic for Neu-Laxova syndrome 2. Last evaluated: 2024-01-22. Review status: criteria provided, single submitter. Criteria: Invitae Variant Classification Sherloc (09022015). Collection method: clinical testing. Allele origin: germline.
Comment: This sequence change affects an acceptor splice site in intron 7 of the PSAT1 gene. It is expected to disrupt RNA splicing. Variants that disrupt the donor or acceptor splice site typically lead to a loss of protein function (PMID: 16199547), and loss-of-function variants in PSAT1 are known to be pathogenic (PMID: 17436247, 25152457). This variant is present in population databases (rs376824714, gnomAD 0.01%). Disruption of this splice site has been observed in individuals with clinical features of Neu-Laxova syndrome (PMID: 32579715). ClinVar contains an entry for this variant (Variation ID: 1306418). Algorithms developed to predict the effect of sequence changes on RNA splicing suggest that this variant may disrupt the consensus splice site. For these reasons, this variant has been classified as Pathogenic.

Department of Pathology and Laboratory Medicine, Sinai Health System
Classification: Likely pathogenic for neurometabolic disorder due to serine deficiency. Last evaluated: 2023-01-06. Review status: criteria provided, single submitter. Criteria: ACMG Guidelines, 2015. Collection method: research. Allele origin: germline.

Blueprint Genetics
Classification: Pathogenic for PSAT1-related disorders. Last evaluated: 2021-12-18. Review status: criteria provided, single submitter. Criteria: ACMG Guidelines, 2015. Collection method: clinical testing. Allele origin: germline. Affected: yes. Observed: 3 variant alleles.

Literature cited by the submitters: PubMed 16199547 (cited by Labcorp Genetics (formerly Invitae), Labcorp); PubMed 17436247 (cited by Labcorp Genetics (formerly Invitae), Labcorp); PubMed 25152457 (cited by Labcorp Genetics (formerly Invitae), Labcorp); PubMed 32579715 (cited by Labcorp Genetics (formerly Invitae), Labcorp).